The following is an entry in ClinVar:

ClinVar aggregate classification (germline): Uncertain significance (1 of 4 stars; one submission).

Conditions:
MHC class II deficiency. Also called: Bare lymphocyte syndrome 2; BLS, TYPE II. Identifiers: Orphanet 572, MedGen C5447452, MONDO:0008855.

Allele frequency attached by ClinVar (database versions not stated): gnomAD exomes 0.00001; TOPMed below 0.00001.
gnomAD v4.1: 13 of 1,614,120 alleles (0.00081%); highest among the groups gnomAD compares: East Asian, 0.0022%; no homozygotes.

Submission:

Labcorp Genetics (formerly Invitae), Labcorp
Classification: Uncertain significance for MHC class II deficiency. Last evaluated: 2021-09-01. Review status: criteria provided, single submitter. Criteria: Invitae Variant Classification Sherloc (09022015). Collection method: clinical testing. Allele origin: germline.
Comment: This sequence change replaces leucine with isoleucine at codon 151 of the CIITA protein (p.Leu151Ile). The leucine residue is weakly conserved and there is a small physicochemical difference between leucine and isoleucine. This variant is not present in population databases (ExAC no frequency). This variant has not been reported in the literature in individuals affected with CIITA-related conditions. Algorithms developed to predict the effect of missense changes on protein structure and function (SIFT, PolyPhen-2, Align-GVGD) all suggest that this variant is likely to be tolerated. In summary, the available evidence is currently insufficient to determine the role of this variant in disease. Therefore, it has been classified as a Variant of Uncertain Significance.

NM_000246.4(CIITA):c.451C>A (p.Leu151Ile)

Gene: CIITA (class II major histocompatibility complex transactivator; plus strand). Cytogenetic location: 16p13.13.
Variant type: single nucleotide variant.
Coding change: c.451C>A on transcript NM_000246.4 (MANE Select); coding-DNA position 451, C replaced by A.
Protein change: p.Leu151Ile; replaces leucine 151 with isoleucine.
Molecular consequence: missense variant. On other transcripts: non-coding transcript variant (1).
Genome position (GRCh38, 1-based): chr16:10,901,528, C>A. VCF-style: chr16-10901528-C-A. GRCh37 (hg19) VCF-style: chr16-10995385-C-A.
Other names: c.454C>A, p.Leu152Ile (NM_001286402.1, NM_001379330.1, NM_001379332.1); c.451C>A, p.Leu151Ile (NM_001286403.2, NM_001379331.1, NM_001379333.1); c.382C>A, p.Leu128Ile (NM_001379334.1); short protein forms L151I, L128I, L152I.
Identifiers: ClinVar variation 1963321 (VCV001963321.2), dbSNP rs1213887196, ClinGen allele CA394727960.